The following is an entry in ClinVar:

NM_033343.4(LHX4):c.737C>T (p.Ala246Val)

Genes: ACBD6 (acyl-CoA binding domain containing 6; minus strand), LHX4 (LIM homeobox 4; plus strand), LHX4-AS1 (LHX4 antisense RNA 1; minus strand). Cytogenetic location: 1q25.2.
Variant type: single nucleotide variant.
Coding change: c.737C>T on transcript NM_033343.4 (MANE Select); coding-DNA position 737, C replaced by T.
Protein change: p.Ala246Val; replaces alanine 246 with valine.
Molecular consequence: missense variant. On other transcripts: non-coding transcript variant (1).
Genome position (GRCh38, 1-based): chr1:180,271,965, C>T. VCF-style: chr1-180271965-C-T. GRCh37 (hg19) VCF-style: chr1-180241100-C-T.
Other names: short protein forms A246V.
Identifiers: ClinVar variation 3233450 (VCV003233450.2), dbSNP rs2528252491, ClinGen allele CA343598823.

ClinVar aggregate classification (germline): Uncertain significance (1 of 4 stars; one submission).

Submission:

Women's Health and Genetics/Laboratory Corporation of America, LabCorp
Classification: Uncertain significance. Last evaluated: 2024-03-13. Review status: criteria provided, single submitter. Criteria: LabCorp Variant Classification Summary - May 2015. Collection method: clinical testing. Allele origin: germline.
Comment: Variant summary: LHX4 c.737C>T (p.Ala246Val) results in a non-conservative amino acid change in the encoded protein sequence. Three of five in-silico tools predict a benign effect of the variant on protein function. The variant was absent in 251022 control chromosomes. The available data on variant occurrences in the general population are insufficient to allow any conclusion about variant significance. To our knowledge, no occurrence of c.737C>T in individuals affected with Short Stature-Pituitary And Cerebellar Defects-Small Sella Turcica Syndrome and no experimental evidence demonstrating its impact on protein function have been reported. No submitters have cited clinical-significance assessments for this variant to ClinVar. Based on the evidence outlined above, the variant was classified as uncertain significance.